The following is an entry in ClinVar:

NM_001283009.2(RTEL1):c.2278G>T (p.Ala760Ser)

Genes: RTEL1 (regulator of telomere elongation helicase 1; plus strand), RTEL1-TNFRSF6B (RTEL1-TNFRSF6B readthrough (NMD candidate); plus strand). Cytogenetic location: 20q13.33.
Variant type: single nucleotide variant.
Coding change: c.2278G>T on transcript NM_001283009.2 (MANE Select); coding-DNA position 2278, G replaced by T.
Protein change: p.Ala760Ser; replaces alanine 760 with serine.
Molecular consequence: missense variant. On other transcripts: non-coding transcript variant (1).
Genome position (GRCh38, 1-based): chr20:63,690,306, G>T. VCF-style: chr20-63690306-G-T. GRCh37 (hg19) VCF-style: chr20-62321659-G-T.
Other names: c.1609G>T, p.Ala537Ser (NM_001283010.1); c.2278G>T, p.Ala760Ser (NM_016434.4); c.2350G>T, p.Ala784Ser (NM_032957.5); short protein forms A537S, A760S, A784S.
Identifiers: ClinVar variation 3948280 (VCV003948280.1).
Genomic context (GRCh38, chr20:63,690,306, plus strand): 5'-TCCCCAGAGGAGCCAGAAATGGGTCCACCCACCCCCATGGTTCTGCAGATGCCAGCGCCG[G>T]CCCCCCGGGCTACAGCACCCAGTGTGCGTGGAGAAGATGCTGTCAGCGAGGCCAAGTCGC-3'
Protein context (NP_001269938.1, residues 750-770): RVAERTMPAP[Ala760Ser]PRATAPSVRG

ClinVar aggregate classification (germline): Uncertain significance (1 of 4 stars; one submission).

Conditions:
Inborn genetic diseases. Identifiers: MedGen C0950123, MeSH D030342.

gnomAD v4.1: 2 of 1,605,276 alleles (0.00012%); no homozygotes.

Submission:

Ambry Genetics
Classification: Uncertain significance for Inborn genetic diseases. Last evaluated: 2025-03-31. Review status: criteria provided, single submitter. Criteria: Ambry Variant Classification Scheme 2023. Collection method: clinical testing. Allele origin: germline.
Comment: The p.A760S variant (also known as c.2278G>T), located in coding exon 25 of the RTEL1 gene, results from a G to T substitution at nucleotide position 2278. The alanine at codon 760 is replaced by serine, an amino acid with similar properties. This amino acid position is conserved. In addition, this alteration is predicted to be tolerated by in silico analysis. Based on the available evidence, the clinical significance of this variant remains unclear.